The following is an entry in ClinVar:

ClinVar aggregate classification (germline): Uncertain significance (1 of 4 stars; one submission).

Submission:

Ambry Genetics
Classification: Uncertain significance. Last evaluated: 2025-07-21. Review status: criteria provided, single submitter. Criteria: Ambry Variant Classification Scheme 2023. Collection method: clinical testing. Allele origin: germline.
Comment: The p.N455T variant (also known as c.1364A>C), located in coding exon 9 of the MYLK2 gene, results from an A to C substitution at nucleotide position 1364. The asparagine at codon 455 is replaced by threonine, an amino acid with similar properties. This amino acid position is conserved. In addition, this alteration is predicted to be tolerated by in silico analysis. Based on the available evidence, the clinical significance of this variant remains unclear.

NM_033118.4(MYLK2):c.1364A>C (p.Asn455Thr)

Gene: MYLK2 (myosin light chain kinase 2; plus strand). Cytogenetic location: 20q11.21.
Variant type: single nucleotide variant.
Coding change: c.1364A>C on transcript NM_033118.4 (MANE Select); coding-DNA position 1364, A replaced by C.
Protein change: p.Asn455Thr; replaces asparagine 455 with threonine.
Molecular consequence: missense variant.
Genome position (GRCh38, 1-based): chr20:31,831,081, A>C. VCF-style: chr20-31831081-A-C. GRCh37 (hg19) VCF-style: chr20-30418884-A-C.
Other names: short protein forms N455T.
Identifiers: ClinVar variation 4115088 (VCV004115088.1).